The following is an entry in ClinVar:

NM_000070.3(CAPN3):c.1291G>C (p.Val431Leu)

Gene: CAPN3 (calpain 3; plus strand). Cytogenetic location: 15q15.1.
Variant type: single nucleotide variant.
Coding change: c.1291G>C on transcript NM_000070.3 (MANE Select); coding-DNA position 1291, G replaced by C.
Protein change: p.Val431Leu; replaces valine 431 with leucine.
Molecular consequence: missense variant.
Genome position (GRCh38, 1-based): chr15:42,399,589, G>C. VCF-style: chr15-42399589-G-C. GRCh37 (hg19) VCF-style: chr15-42691787-G-C.
Other names: c.1291G>C, p.Val431Leu (NM_024344.2); c.1147G>C, p.Val383Leu (NM_173087.2); c.1030G>C, p.Val344Leu (NM_212464.2); c.*984G>C (NM_212467.2); short protein forms V344L, V383L, V431L.
Identifiers: ClinVar variation 2179633 (VCV002179633.4), dbSNP rs2548274001, ClinGen allele CA391999524.
Genomic context (GRCh38, chr15:42,399,589, plus strand): 5'-TTGGAGATCTGCAACCTCACGGCCGATGCTCTGCAGTCTGACAAGCTTCAGACCTGGACA[G>C]TGTCTGTGAACGAGGGCCGCTGGGTACGGGGTTGCTCTGCCGGAGGCTGCCGCAACTTCC-3'
Protein context (NP_000061.1, residues 421-441): LQSDKLQTWT[Val431Leu]SVNEGRWVRG

ClinVar aggregate classification (germline): Uncertain significance (1 of 4 stars; one submission).

Conditions:
Autosomal recessive limb-girdle muscular dystrophy type 2A (LGMDR1). Also called: LEYDEN-MOEBIUS MUSCULAR DYSTROPHY; MUSCULAR DYSTROPHY, PELVOFEMORAL; Limb-girdle muscular dystrophy, type 2A; Calpainopathy; Muscular dystrophy, limb-girdle, type 2A, Amish. Identifiers: Orphanet 267, MedGen C1869123, MONDO:0009675, OMIM 253600. Disease mechanism: loss of function.

Submission:

Labcorp Genetics (formerly Invitae), Labcorp
Classification: Uncertain significance for Autosomal recessive limb-girdle muscular dystrophy type 2A. Last evaluated: 2022-09-19. Review status: criteria provided, single submitter. Criteria: Invitae Variant Classification Sherloc (09022015). Collection method: clinical testing. Allele origin: germline.
Comment: Advanced modeling of protein sequence and biophysical properties (such as structural, functional, and spatial information, amino acid conservation, physicochemical variation, residue mobility, and thermodynamic stability) performed at Invitae indicates that this missense variant is not expected to disrupt CAPN3 protein function. In summary, the available evidence is currently insufficient to determine the role of this variant in disease. Therefore, it has been classified as a Variant of Uncertain Significance. This variant has not been reported in the literature in individuals affected with CAPN3-related conditions. This variant is not present in population databases (gnomAD no frequency). This sequence change replaces valine, which is neutral and non-polar, with leucine, which is neutral and non-polar, at codon 431 of the CAPN3 protein (p.Val431Leu).